The following is an entry in ClinVar:

ClinVar aggregate classification (germline): Uncertain significance (1 of 4 stars; one submission).

Conditions:
Deficiency of 2-methylbutyryl-CoA dehydrogenase (ACADSB). Also called: 2-methylbutyryl-CoA dehydrogenase deficiency; SBCAD deficiency; 2-methylbutyric aciduria; Short branched-chain acyl-CoA dehydrogenase deficiency; 2-methylbutyrylglycinuria. Identifiers: Orphanet 79157, MedGen C1864912, MONDO:0012392, OMIM 610006, HP:0020147.

Submission:

Labcorp Genetics (formerly Invitae), Labcorp
Classification: Uncertain significance for Deficiency of 2-methylbutyryl-CoA dehydrogenase. Last evaluated: 2021-11-01. Review status: criteria provided, single submitter. Criteria: Invitae Variant Classification Sherloc (09022015). Collection method: clinical testing. Allele origin: germline.
Comment: In summary, the available evidence is currently insufficient to determine the role of this variant in disease. Therefore, it has been classified as a Variant of Uncertain Significance. This sequence change replaces valine, which is neutral and non-polar, with alanine, which is neutral and non-polar, at codon 268 of the ACADSB protein (p.Val268Ala). This variant is not present in population databases (gnomAD no frequency). This variant has not been reported in the literature in individuals affected with ACADSB-related conditions. Algorithms developed to predict the effect of missense changes on protein structure and function are either unavailable or do not agree on the potential impact of this missense change (SIFT: "Deleterious"; PolyPhen-2: "Benign"; Align-GVGD: "Class C0").

NM_001609.4(ACADSB):c.803T>C (p.Val268Ala)

Gene: ACADSB (acyl-CoA dehydrogenase short/branched chain; plus strand). Cytogenetic location: 10q26.13.
Variant type: single nucleotide variant.
Coding change: c.803T>C on transcript NM_001609.4 (MANE Select); coding-DNA position 803, T replaced by C.
Protein change: p.Val268Ala; replaces valine 268 with alanine.
Molecular consequence: missense variant.
Genome position (GRCh38, 1-based): chr10:123,043,167, T>C. VCF-style: chr10-123043167-T-C. GRCh37 (hg19) VCF-style: chr10-124802683-T-C.
Other names: c.497T>C, p.Val166Ala (NM_001330174.3); short protein forms V268A, V166A.
Identifiers: ClinVar variation 1468786 (VCV001468786.6), dbSNP rs2133483475, ClinGen allele CA378619471.